The following is an entry in ClinVar:

ClinVar aggregate classification (germline): Uncertain significance (1 of 4 stars; one submission).

Conditions:
Autosomal dominant limb-girdle muscular dystrophy type 1D (DNAJB6) (LGMDD1). Also called: MUSCULAR DYSTROPHY, LIMB-GIRDLE, TYPE 1D; MUSCULAR DYSTROPHY, AUTOSOMAL DOMINANT, WITH RIMMED VACUOLES; Autosomal dominant limb-girdle muscular dystrophy type 1D; Muscular dystrophy, limb-girdle, autosomal dominant 1. Identifiers: Orphanet 34516, MedGen C4721885, MONDO:0021018, OMIM 603511.

Submission:

Labcorp Genetics (formerly Invitae), Labcorp
Classification: Uncertain significance for Autosomal dominant limb-girdle muscular dystrophy type 1D (DNAJB6). Last evaluated: 2024-08-17. Review status: criteria provided, single submitter. Criteria: Invitae Variant Classification Sherloc (09022015). Collection method: clinical testing. Allele origin: germline.
Comment: This sequence change replaces phenylalanine, which is neutral and non-polar, with serine, which is neutral and polar, at codon 164 of the DNAJB6 protein (p.Phe164Ser). This variant is not present in population databases (gnomAD no frequency). This variant has not been reported in the literature in individuals affected with DNAJB6-related conditions. Invitae Evidence Modeling of protein sequence and biophysical properties (such as structural, functional, and spatial information, amino acid conservation, physicochemical variation, residue mobility, and thermodynamic stability) indicates that this missense variant is not expected to disrupt DNAJB6 protein function with a negative predictive value of 80%. In summary, the available evidence is currently insufficient to determine the role of this variant in disease. Therefore, it has been classified as a Variant of Uncertain Significance.

NM_058246.4(DNAJB6):c.491T>C (p.Phe164Ser)

Gene: DNAJB6 (DnaJ heat shock protein family (Hsp40) member B6; plus strand). Cytogenetic location: 7q36.3.
Variant type: single nucleotide variant.
Coding change: c.491T>C on transcript NM_058246.4 (MANE Select); coding-DNA position 491, T replaced by C.
Protein change: p.Phe164Ser; replaces phenylalanine 164 with serine.
Molecular consequence: missense variant. On other transcripts: intron variant (1).
Genome position (GRCh38, 1-based): chr7:157,384,879, T>C. VCF-style: chr7-157384879-T-C. GRCh37 (hg19) VCF-style: chr7-157177573-T-C.
Other names: c.491T>C, p.Phe164Ser (NM_005494.3); c.346+17396T>C (NM_001363676.1); short protein forms F164S.
Identifiers: ClinVar variation 3662713 (VCV003662713.2).